The following is an entry in ClinVar:

NM_000199.5(SGSH):c.597C>T (p.Asn199=)

Gene: SGSH (N-sulfoglucosamine sulfohydrolase; minus strand). Cytogenetic location: 17q25.3.
Variant type: single nucleotide variant.
Coding change: c.597C>T on transcript NM_000199.5 (MANE Select); coding-DNA position 597, C replaced by T.
Protein change: p.Asn199=; no amino-acid change (asparagine 199 retained).
Molecular consequence: synonymous variant. On other transcripts: non-coding transcript variant (1).
Genome position (GRCh38, 1-based): chr17:80,214,238, G>A on the plus strand (C>T on the coding strand, the complement: SGSH is on the minus strand). VCF-style: chr17-80214238-G-A. GRCh37 (hg19) VCF-style: chr17-78188037-G-A.
Other names: c.597C>T (NM_000199.3); c.597C>T, p.Asn199= (NM_001352921.3, NM_001352922.2).
Identifiers: ClinVar variation 1091474 (VCV001091474.11), dbSNP rs753030382, ClinGen allele CA8817939.

ClinVar aggregate classification (germline): Likely benign. Review status: criteria provided, multiple submitters, no conflicts (2 of 4 stars). 3 submissions from 3 submitters: Likely benign (3). Last evaluated 2026-06-16.

Conditions:
SGSH-related disorder. Also called: SGSH-related condition.
Mucopolysaccharidosis, MPS-III-A (MPS3A). Also called: MPS III A; Mucopolysaccharidosis type IIIA (Sanfilippo A); HEPARAN SULFATE SULFATASE DEFICIENCY; SANFILIPPO SYNDROME A; SULFAMIDASE DEFICIENCY; Mucopolysaccharidosis, type IIIA. Identifiers: Orphanet 581, Orphanet 79269, MedGen C0086647, MONDO:0009655, OMIM 252900.

Allele frequency attached by ClinVar (database versions not stated): TOPMed 0.00003; ExAC 0.00003; gnomAD exomes 0.00003; gnomAD 0.00001.
gnomAD v4.1: 19 of 1,613,018 alleles (0.0012%); highest among the groups gnomAD compares: South Asian, 0.0044%; 1 homozygote.

Submissions (3):

PreventionGenetics, part of Exact Sciences
Classification: Likely benign for SGSH-related condition. Last evaluated: 2026-06-16. Review status: criteria provided, single submitter. Criteria: ACMG Guidelines, 2015. Collection method: clinical testing. Allele origin: germline.
Comment: This variant is classified as likely benign based on ACMG/AMP sequence variant interpretation guidelines (Richards et al. 2015 PMID: 25741868, with internal and published modifications).

Labcorp Genetics (formerly Invitae), Labcorp
Classification: Likely benign for Mucopolysaccharidosis, MPS-III-A. Last evaluated: 2025-12-22. Review status: criteria provided, single submitter. Criteria: Invitae Variant Classification Sherloc (09022015). Collection method: clinical testing. Allele origin: germline.

Blueprint Genetics
Classification: Likely benign. Last evaluated: 2024-05-08. Review status: criteria provided, single submitter. Criteria: ACMG Guidelines, 2015. Collection method: clinical testing. Allele origin: germline.